The following is an entry in ClinVar:

ClinVar aggregate classification (germline): Pathogenic (1 of 4 stars; one submission).

Submission:

GeneDx
Classification: Pathogenic. Last evaluated: 2016-08-30. Review status: criteria provided, single submitter. Criteria: GeneDx Variant Classification (06012015). Collection method: clinical testing. Allele origin: germline. Affected: yes.
Comment: The c.2 T>C pathogenic variant in the SRD5A2 gene has not been published as a pathogenic variant, nor has it been reported as a benign variant to our knowledge. The variant alters the initiator Methionine codon, and the resultant protein would be described as p.Met1? using a question mark to signify that it is not known if the loss of Met1 means that all protein translation is completely prevented or if an abnormal protein is produced using an alternate Met. The variant was not observed in approximately 6,500 individuals of European and African American ancestry in the NHLBI Exome Sequencing Project, indicating it is not a common benign variant in these populations. Therefore, we consider this variant to be pathogenic.

NM_000348.4(SRD5A2):c.2T>C (p.Met1Thr)

Gene: SRD5A2 (steroid 5 alpha-reductase 2; minus strand). Cytogenetic location: 2p23.1.
Variant type: single nucleotide variant.
Coding change: c.2T>C on transcript NM_000348.4 (MANE Select); coding-DNA position 2, T replaced by C.
Protein change: p.Met1Thr; changes the start codon (methionine 1).
Molecular consequence: missense variant, initiator codon variant.
Genome position (GRCh38, 1-based): chr2:31,580,899, A>G on the plus strand (T>C on the coding strand, the complement: SRD5A2 is on the minus strand). VCF-style: chr2-31580899-A-G. GRCh37 (hg19) VCF-style: chr2-31805968-A-G.
Other names: short protein forms M1T.
Identifiers: ClinVar variation 265705 (VCV000265705.3), dbSNP rs886039748, ClinGen allele CA10588340.